The following is an entry in ClinVar:

NM_001042492.3(NF1):c.1062+3A>C

Gene: NF1 (neurofibromin 1; plus strand). Cytogenetic location: 17q11.2.
Variant type: single nucleotide variant.
Coding change: c.1062+3A>C on transcript NM_001042492.3 (MANE Select); 3 bases into the intron after coding-DNA position 1062, A replaced by C.
Molecular consequence: intron variant.
Genome position (GRCh38, 1-based): chr17:31,200,598, A>C. VCF-style: chr17-31200598-A-C. GRCh37 (hg19) VCF-style: chr17-29527616-A-C.
Other names: c.1062+3A>C (NM_000267.4, NM_001128147.3).
Identifiers: ClinVar variation 1021084 (VCV001021084.1), dbSNP rs1057521098, ClinGen allele CA2255550373.

ClinVar aggregate classification (germline): Uncertain significance (1 of 4 stars; one submission).

Conditions:
Neurofibromatosis, type 1 (NF1). Also called: Peripheral type neurofibromatosis; Neurofibromatosis, type I; VON RECKLINGHAUSEN DISEASE; NEUROFIBROMATOSIS, TYPE I, SOMATIC. Identifiers: Orphanet 636, MedGen C0027831, MONDO:0018975, OMIM 162200. Disease mechanism: loss of function.

Submission:

Labcorp Genetics (formerly Invitae), Labcorp
Classification: Uncertain significance for Neurofibromatosis, type 1. Last evaluated: 2020-06-17. Review status: criteria provided, single submitter. Criteria: Invitae Variant Classification Sherloc (09022015). Collection method: clinical testing. Allele origin: germline.
Comment: This sequence change falls in intron 9 of the NF1 gene. It does not directly change the encoded amino acid sequence of the NF1 protein, but it affects a nucleotide within the consensus splice site of the intron. This variant is not present in population databases (ExAC no frequency). This variant has not been reported in the literature in individuals with NF1-related conditions. Nucleotide substitutions within the consensus splice site are a relatively common cause of aberrant splicing (PMID: 17576681, 9536098). Algorithms developed to predict the effect of sequence changes on RNA splicing suggest that this variant may disrupt the consensus splice site, but this prediction has not been confirmed by published transcriptional studies. This variant disrupts the c.1062+3 nucleotide in the NF1 gene. Other variant(s) that disrupt this nucleotide have been determined to be pathogenic (PMID: 18546366, Invitae). This suggests that this nucleotide is clinically-significant, and that variants that disrupt this position are likely to be disease-causing. In summary, the available evidence is currently insufficient to determine the role of this variant in disease. Therefore, it has been classified as a Variant of Uncertain Significance.

Literature cited by the submitters: PubMed 17576681; PubMed 9536098; PubMed 18546366.